The following is an entry in ClinVar:

NM_000051.4(ATM):c.7615G>A (p.Glu2539Lys)

Genes: ATM (ATM serine/threonine kinase; plus strand), C11orf65 (chromosome 11 open reading frame 65; minus strand). Cytogenetic location: 11q22.3.
Variant type: single nucleotide variant.
Coding change: c.7615G>A on transcript NM_000051.4 (MANE Select); coding-DNA position 7615, G replaced by A.
Protein change: p.Glu2539Lys; replaces glutamic acid 2539 with lysine.
Molecular consequence: missense variant. On other transcripts: non-coding transcript variant (1), intron variant (2).
Genome position (GRCh38, 1-based): chr11:108,331,543, G>A. VCF-style: chr11-108331543-G-A. GRCh37 (hg19) VCF-style: chr11-108202270-G-A.
Other names: c.7615G>A, p.Glu2539Lys (NM_001351834.2); c.641-22472C>T (NM_001330368.2); c.*38+3677C>T (NM_001351110.2); short protein forms E2539K.
Identifiers: ClinVar variation 230309 (VCV000230309.8), dbSNP rs876658496, ClinGen allele CA10579263.
Genomic context (GRCh38, chr11:108,331,543, plus strand): 5'-CTTATGTACCAATTGGCTGCTAGAATGGGGACCAAGATGATGGGAGGCCTAGGATTTCAT[G>A]AAGTCCTCAATAATGTAAGTAAACCTGAAAATCAAACCACAATAATTATTTTTATTCTAT-3'
Protein context (NP_000042.3, residues 2529-2549): TKMMGGLGFH[Glu2539Lys]VLNNLISRIS

ClinVar aggregate classification (germline): Uncertain significance. Review status: criteria provided, multiple submitters, no conflicts (2 of 4 stars). 2 submissions from 2 submitters: Uncertain significance (2). Last evaluated 2023-12-11.

Conditions:
Hereditary cancer-predisposing syndrome. Also called: Neoplastic Syndromes, Hereditary; Hereditary neoplastic syndrome; Tumor predisposition; Hereditary Cancer Syndrome. Identifiers: Orphanet 140162, MedGen C0027672, MeSH D009386, MONDO:0015356.

Submissions (2):

Ambry Genetics
Classification: Uncertain significance for Hereditary cancer-predisposing syndrome. Last evaluated: 2023-12-11. Review status: criteria provided, single submitter. Criteria: Ambry Variant Classification Scheme 2023. Collection method: clinical testing. Allele origin: germline.
Comment: The p.E2539K variant (also known as c.7615G>A), located in coding exon 50 of the ATM gene, results from a G to A substitution at nucleotide position 7615. The glutamic acid at codon 2539 is replaced by lysine, an amino acid with similar properties. This amino acid position is not well conserved in available vertebrate species. In addition, this alteration is predicted to be tolerated by in silico analysis. Since supporting evidence is limited at this time, the clinical significance of this alteration remains unclear.

Blueprint Genetics
Classification: Uncertain significance. Last evaluated: 2019-09-21. Review status: criteria provided, single submitter. Criteria: ACMG Guidelines, 2015. Collection method: clinical testing. Allele origin: germline.